The following is an entry in ClinVar:

NM_001868.4(CPA1):c.309G>C (p.Gln103His)

Gene: CPA1 (carboxypeptidase A1; plus strand). Cytogenetic location: 7q32.2.
Variant type: single nucleotide variant.
Coding change: c.309G>C on transcript NM_001868.4 (MANE Select); coding-DNA position 309, G replaced by C.
Protein change: p.Gln103His; replaces glutamine 103 with histidine.
Molecular consequence: missense variant.
Genome position (GRCh38, 1-based): chr7:130,381,791, G>C. VCF-style: chr7-130381791-G-C. GRCh37 (hg19) VCF-style: chr7-130021632-G-C.
Other names: short protein forms Q103H.
Identifiers: ClinVar variation 1727575 (VCV001727575.2), dbSNP rs1796409015, ClinGen allele CA369280279.

ClinVar aggregate classification (germline): Uncertain significance (1 of 4 stars; one submission).

Conditions:
Hereditary pancreatitis (PCTT). Also called: Hereditary chronic pancreatitis; PRSS1-Related Hereditary Pancreatitis. Identifiers: Orphanet 676, MedGen C0238339, MONDO:0008185, OMIM 167800.

Submission:

Ambry Genetics
Classification: Uncertain significance for Hereditary pancreatitis. Last evaluated: 2022-09-12. Review status: criteria provided, single submitter. Criteria: Ambry Variant Classification Scheme 2023. Collection method: clinical testing. Allele origin: germline.
Comment: The p.Q103H variant (also known as c.309G>C), located in coding exon 3 of the CPA1 gene, results from a G to C substitution at nucleotide position 309. The glutamine at codon 103 is replaced by histidine, an amino acid with highly similar properties. This amino acid position is conserved. In addition, this alteration is predicted to be tolerated by in silico analysis. Since supporting evidence is limited at this time, the clinical significance of this alteration remains unclear.